The following is an entry in ClinVar:

ClinVar aggregate classification (germline): Uncertain significance (1 of 4 stars; one submission).

Allele frequency attached by ClinVar (database versions not stated): 1000 Genomes Project 30x 0.00016; 1000 Genomes Project 0.00020.
gnomAD v4.1: 6 of 1,613,900 alleles (0.00037%); highest among the groups gnomAD compares: African/African-American, 0.0027%; no homozygotes.

Submission:

Labcorp Genetics (formerly Invitae), Labcorp
Classification: Uncertain significance. Last evaluated: 2024-09-03. Review status: criteria provided, single submitter. Criteria: Invitae Variant Classification Sherloc (09022015). Collection method: clinical testing. Allele origin: germline.
Comment: This sequence change replaces proline, which is neutral and non-polar, with arginine, which is basic and polar, at codon 1017 of the LTBP2 protein (p.Pro1017Arg). This variant is present in population databases (rs561805874, gnomAD 0.01%). This variant has not been reported in the literature in individuals affected with LTBP2-related conditions. An algorithm developed to predict the effect of missense changes on protein structure and function (PolyPhen-2) suggests that this variant is likely to be disruptive. In summary, the available evidence is currently insufficient to determine the role of this variant in disease. Therefore, it has been classified as a Variant of Uncertain Significance.

NM_000428.3(LTBP2):c.3050C>G (p.Pro1017Arg)

Gene: LTBP2 (latent transforming growth factor beta binding protein 2; minus strand). Cytogenetic location: 14q24.3.
Variant type: single nucleotide variant.
Coding change: c.3050C>G on transcript NM_000428.3 (MANE Select); coding-DNA position 3050, C replaced by G.
Protein change: p.Pro1017Arg; replaces proline 1017 with arginine.
Molecular consequence: missense variant.
Genome position (GRCh38, 1-based): chr14:74,510,192, G>C on the plus strand (C>G on the coding strand, the complement: LTBP2 is on the minus strand). VCF-style: chr14-74510192-G-C. GRCh37 (hg19) VCF-style: chr14-74976895-G-C.
Other names: short protein forms P1017R.
Identifiers: ClinVar variation 2821952 (VCV002821952.3), dbSNP rs561805874, ClinGen allele CA263584676.